The following is an entry in ClinVar:

ClinVar aggregate classification (germline): Uncertain significance (1 of 4 stars; one submission).

Conditions:
Hereditary cancer-predisposing syndrome. Also called: Neoplastic Syndromes, Hereditary; Tumor predisposition; Hereditary Cancer Syndrome; Hereditary neoplastic syndrome. Identifiers: Orphanet 140162, MedGen C0027672, MeSH D009386, MONDO:0015356.

Submission:

Ambry Genetics
Classification: Uncertain significance for Hereditary cancer-predisposing syndrome. Last evaluated: 2025-03-29. Review status: criteria provided, single submitter. Criteria: Ambry Variant Classification Scheme 2023. Collection method: clinical testing. Allele origin: germline.
Comment: The p.F1952L variant (also known as c.5856T>A), located in coding exon 38 of the ATM gene, results from a T to A substitution at nucleotide position 5856. The phenylalanine at codon 1952 is replaced by leucine, an amino acid with highly similar properties. This amino acid position is conserved. In addition, the in silico prediction for this alteration is inconclusive. Based on the available evidence, the clinical significance of this variant remains unclear.

NM_000051.4(ATM):c.5856T>A (p.Phe1952Leu)

Genes: ATM (ATM serine/threonine kinase; plus strand), C11orf65 (chromosome 11 open reading frame 65; minus strand). Cytogenetic location: 11q22.3.
Variant type: single nucleotide variant.
Coding change: c.5856T>A on transcript NM_000051.4 (MANE Select); coding-DNA position 5856, T replaced by A.
Protein change: p.Phe1952Leu; replaces phenylalanine 1952 with leucine.
Molecular consequence: missense variant. On other transcripts: intron variant (2).
Genome position (GRCh38, 1-based): chr11:108,310,253, T>A. VCF-style: chr11-108310253-T-A. GRCh37 (hg19) VCF-style: chr11-108180980-T-A.
Other names: c.5856T>A, p.Phe1952Leu (NM_001351834.2); c.641-1182A>T (NM_001330368.2); c.*39-1182A>T (NM_001351110.2); short protein forms F1952L.
Identifiers: ClinVar variation 3966196 (VCV003966196.1).
Genomic context (GRCh38, chr11:108,310,253, plus strand): 5'-CTGGCTGGATTTAAATTATCTAGAAGTTGCCAAGGTAGCTCAGTCTTGTGCTGCTCACTT[T>A]ACAGCTTTACTCTATGCAGAAATCTATGCAGATAAGAAAAGTATGGATGATCAAGAGAAA-3'
Protein context (NP_000042.3, residues 1942-1962): AKVAQSCAAH[Phe1952Leu]TALLYAEIYA